The following is an entry in ClinVar:

NM_000053.4(ATP7B):c.3833C>T (p.Ala1278Val)

Gene: ATP7B (ATPase copper transporting beta; minus strand). Cytogenetic location: 13q14.3.
Variant type: single nucleotide variant.
Coding change: c.3833C>T on transcript NM_000053.4 (MANE Select); coding-DNA position 3833, C replaced by T.
Protein change: p.Ala1278Val; replaces alanine 1278 with valine.
Molecular consequence: missense variant.
Genome position (GRCh38, 1-based): chr13:51,937,546, G>A on the plus strand (C>T on the coding strand, the complement: ATP7B is on the minus strand). VCF-style: chr13-51937546-G-A. GRCh37 (hg19) VCF-style: chr13-52511682-G-A.
Other names: c.3212C>T, p.Ala1071Val (NM_001005918.3); c.3500C>T, p.Ala1167Val (NM_001243182.2); c.3599C>T, p.Ala1200Val (NM_001330578.2); c.3581C>T, p.Ala1194Val (NM_001330579.2); short protein forms A1071V, A1167V, A1194V, A1200V, A1278V.
Identifiers: ClinVar variation 975010 (VCV000975010.8), dbSNP rs1375884723, ClinGen allele CA388021788.
Genomic context (GRCh38, chr13:51,937,546, plus strand): 5'-ACGACGTCGGCTGCCTCGATGGCCACATCCGTGCCGGTGCCAATGGCCACACCCATGTCT[G>A]CCTGGGCCAAGGCCGGGGAGTCATTGACCCCATCCCCCACCATGGCGACTTTCTTCCCTT-3'
Protein context (NP_000044.2, residues 1268-1288): GVNDSPALAQ[Ala1278Val]DMGVAIGTGT

ClinVar aggregate classification (germline): Conflicting classifications of pathogenicity. Review status: criteria provided, conflicting classifications (1 of 4 stars). 5 submissions from 5 submitters: Likely pathogenic (4); Uncertain significance (1). Last evaluated 2025-06-16.

Conditions:
Wilson disease (WND). Also called: Wilson's disease. Identifiers: Orphanet 905, MedGen C0019202, MONDO:0010200, OMIM 277900. Disease mechanism: loss of function.

gnomAD v4.1: 4 of 1,614,242 alleles (0.00025%); highest among the groups gnomAD compares: South Asian, 0.0044%; no homozygotes.

Submissions (5):

Natera, Inc.
Classification: Likely pathogenic for Wilson disease. Last evaluated: 2025-06-16. Review status: criteria provided, single submitter. Criteria: Natera Variant Classification Schema (03/2026). Collection method: clinical testing. Allele origin: germline.
Comment: The c.3833C>T variant in ATP7B is a missense variant predicted to cause substitution of alanine to valine at amino acid 1278. This variant is rare in the general population with a frequency below the threshold expected for the associated phenotype(s). This variant has been observed in one or more individuals affected with the associated recessive disease, as either homozygous or compound heterozygous with a second variant (PMID: 23518715, 22484412). Computational prediction algorithms indicate this variant is likely to affect gene or protein function. Given the available evidence, this variant is classified as Likely Pathogenic.

Fulgent Genetics
Classification: Likely pathogenic for Wilson disease. Last evaluated: 2024-05-09. Review status: criteria provided, single submitter. Criteria: ACMG Guidelines, 2015. Collection method: clinical testing. Allele origin: germline.

Baylor Genetics
Classification: Likely pathogenic for Wilson disease. Last evaluated: 2023-04-27. Review status: criteria provided, single submitter. Criteria: ACMG Guidelines, 2015. Collection method: clinical testing. Allele origin: unknown.

Labcorp Genetics (formerly Invitae), Labcorp
Classification: Uncertain significance for Wilson disease. Last evaluated: 2021-09-02. Review status: criteria provided, single submitter. Criteria: Invitae Variant Classification Sherloc (09022015). Collection method: clinical testing. Allele origin: germline.
Comment: This sequence change replaces alanine with valine at codon 1278 of the ATP7B protein (p.Ala1278Val). The alanine residue is highly conserved and there is a small physicochemical difference between alanine and valine. This variant is not present in population databases (ExAC no frequency). This missense change has been observed in individual(s) with Wilson disease (PMID: 9222767, 22484412, 23518715). ClinVar contains an entry for this variant (Variation ID: 975010). Algorithms developed to predict the effect of missense changes on protein structure and function are either unavailable or do not agree on the potential impact of this missense change (SIFT: "Deleterious"; PolyPhen-2: "Probably Damaging"; Align-GVGD: "Class C0"). Algorithms developed to predict the effect of sequence changes on RNA splicing suggest that this variant may create or strengthen a splice site. In summary, the available evidence is currently insufficient to determine the role of this variant in disease. Therefore, it has been classified as a Variant of Uncertain Significance.

Women's Health and Genetics/Laboratory Corporation of America, LabCorp
Classification: Likely pathogenic for Wilson disease. Last evaluated: 2020-07-24. Review status: criteria provided, single submitter. Criteria: LabCorp Variant Classification Summary - May 2015. Collection method: clinical testing. Allele origin: germline.
Comment: Variant summary: ATP7B c.3833C>T (p.Ala1278Val) results in a non-conservative amino acid change in the encoded protein sequence. Five of five in-silico tools predict a damaging effect of the variant on protein function. The variant was absent in 249568 control chromosomes. c.3833C>T has been reported in the literature in individuals affected with Wilson Disease (Orru_1997, Lepori_2012, Coffey_2013, Kuppala_2009). These data indicate that the variant is likely to be associated with disease. To our knowledge, no experimental evidence demonstrating an impact on protein function has been reported. No clinical diagnostic laboratories have submitted clinical-significance assessments for this variant to ClinVar after 2014. In addition, other variants affecting the same codon (p.A1278G, p.A1278T) have been reported to associate with Wilson Disease (HGMD database). Based on the evidence outlined above, the variant was classified as likely pathogenic.

Literature cited by the submitters: PubMed 23518715 (cited by 3 submitters); PubMed 22484412 (cited by 3 submitters); PubMed 9222767 (cited by Labcorp Genetics (formerly Invitae), Labcorp and Women's Health and Genetics/Laboratory Corporation of America, LabCorp); PubMed 22692182 (cited by Women's Health and Genetics/Laboratory Corporation of America, LabCorp).